The following is an entry in ClinVar:

ClinVar aggregate classification (germline): Likely benign (1 of 4 stars; one submission).

Conditions:
Hereditary spastic paraplegia 48. Also called: SPASTIC PARAPLEGIA 48, AUTOSOMAL RECESSIVE; Spastic paraplegia 48. Identifiers: Orphanet 306511, MedGen C3150901, MONDO:0013342, OMIM 613647.

Allele frequency attached by ClinVar (database versions not stated): gnomAD exomes 0.00029; gnomAD 0.04069 and 0.04406; 1000 Genomes Project 0.04173; TOPMed 0.04478; 1000 Genomes Project 30x 0.04482.
gnomAD v4.1: 6,149 of 159,588 alleles (3.9%); highest among the groups gnomAD compares: African/African-American, 14%; 407 homozygotes.

Submission:

Illumina Laboratory Services, Illumina
Classification: Likely benign for Hereditary spastic paraplegia 48. Last evaluated: 2017-04-27. Review status: criteria provided, single submitter. Criteria: ICSL Variant Classification Criteria 13 December 2019. Collection method: clinical testing. Allele origin: germline.
Comment: This variant was observed as part of a predisposition screen in an ostensibly healthy population. A literature search was performed for the gene, cDNA change, and amino acid change (where applicable). No publications were found based on this search. Allele frequency data from public databases allowed determination this variant is unlikely to cause disease. Therefore, this variant is classified as likely benign.

NM_014855.3(AP5Z1):c.*1555C>G

Gene: AP5Z1 (adaptor related protein complex 5 subunit zeta 1; plus strand). Cytogenetic location: 7p22.1.
Variant type: single nucleotide variant.
Coding change: c.*1555C>G on transcript NM_014855.3 (MANE Select); 1555 bases downstream of the stop codon, C replaced by G.
Molecular consequence: 3 prime UTR variant. On other transcripts: non-coding transcript variant (1).
Genome position (GRCh38, 1-based): chr7:4,792,940, C>G. VCF-style: chr7-4792940-C-G. GRCh37 (hg19) VCF-style: chr7-4832571-C-G.
Other names: c.*1555C>G (LRG_1247t1, NM_001364858.1).
Identifiers: ClinVar variation 360384 (VCV000360384.5), dbSNP rs78049494, ClinGen allele CA10624091.